The following is an entry in ClinVar:

NM_003823.4(TNFRSF6B):c.812C>T (p.Ala271Val)

Genes: RTEL1-TNFRSF6B (RTEL1-TNFRSF6B readthrough (NMD candidate); plus strand), TNFRSF6B (TNF receptor superfamily member 6b; plus strand). Cytogenetic location: 20q13.33.
Variant type: single nucleotide variant.
Coding change: c.812C>T on transcript NM_003823.4 (MANE Select); coding-DNA position 812, C replaced by T.
Protein change: p.Ala271Val; replaces alanine 271 with valine.
Molecular consequence: missense variant. On other transcripts: non-coding transcript variant (1).
Genome position (GRCh38, 1-based): chr20:63,698,472, C>T. VCF-style: chr20-63698472-C-T. GRCh37 (hg19) VCF-style: chr20-62329825-C-T.
Other names: short protein forms A271V.
Identifiers: ClinVar variation 2883347 (VCV002883347.3), dbSNP rs546975323, ClinGen allele CA9966625.

ClinVar aggregate classification (germline): Uncertain significance (1 of 4 stars; one submission).

Allele frequency attached by ClinVar (database versions not stated): TOPMed 0.00005; gnomAD 0.00006; 1000 Genomes Project 0.00020; gnomAD exomes 0.00001; ExAC 0.00004; 1000 Genomes Project 30x 0.00031.

Submission:

Labcorp Genetics (formerly Invitae), Labcorp
Classification: Uncertain significance. Last evaluated: 2025-06-03. Review status: criteria provided, single submitter. Criteria: Invitae Variant Classification Sherloc (09022015). Collection method: clinical testing. Allele origin: germline.
Comment: This sequence change replaces alanine, which is neutral and non-polar, with valine, which is neutral and non-polar, at codon 271 of the TNFRSF6B protein (p.Ala271Val). This variant is present in population databases (rs546975323, gnomAD 0.03%). This variant has not been reported in the literature in individuals affected with TNFRSF6B-related conditions. ClinVar contains an entry for this variant (Variation ID: 2883347). An algorithm developed to predict the effect of missense changes on protein structure and function outputs the following: PolyPhen-2: "Benign". The valine amino acid residue is found in multiple mammalian species, which suggests that this missense change does not adversely affect protein function. In summary, the available evidence is currently insufficient to determine the role of this variant in disease. Therefore, it has been classified as a Variant of Uncertain Significance.